The following is an entry in ClinVar:

NM_004369.4(COL6A3):c.5597T>C (p.Leu1866Ser)

Gene: COL6A3 (collagen type VI alpha 3 chain; minus strand). Cytogenetic location: 2q37.3.
Variant type: single nucleotide variant.
Coding change: c.5597T>C on transcript NM_004369.4 (MANE Select); coding-DNA position 5597, T replaced by C.
Protein change: p.Leu1866Ser; replaces leucine 1866 with serine.
Molecular consequence: missense variant.
Genome position (GRCh38, 1-based): chr2:237,365,939, A>G on the plus strand (T>C on the coding strand, the complement: COL6A3 is on the minus strand). VCF-style: chr2-237365939-A-G. GRCh37 (hg19) VCF-style: chr2-238274582-A-G.
Other names: c.3776T>C, p.Leu1259Ser (NM_057166.5); c.4979T>C, p.Leu1660Ser (NM_057167.4); c.5597T>C (NM_004369.3); short protein forms L1866S, L1259S, L1660S.
Identifiers: ClinVar variation 1429641 (VCV001429641.10), dbSNP rs1465215888, ClinGen allele CA351186177.

ClinVar aggregate classification (germline): Uncertain significance. Review status: criteria provided, multiple submitters, no conflicts (2 of 4 stars). 3 submissions from 3 submitters: Uncertain significance (3). Last evaluated 2025-11-26.

Conditions:
Inborn genetic diseases. Identifiers: MedGen C0950123, MeSH D030342.
Bethlem myopathy 1A. Also called: MYOPATHY, BENIGN CONGENITAL, WITH CONTRACTURES; Bethlem Muscular Dystrophy; Bethlem myopathy 1. Identifiers: Orphanet 610, MedGen CN029274, MONDO:0024530, OMIM 158810.

Allele frequency attached by ClinVar (database versions not stated): gnomAD exomes below 0.00001; TOPMed below 0.00001.
gnomAD v4.1: 7 of 1,614,182 alleles (0.00043%); highest among the groups gnomAD compares: Non-Finnish European, 0.00059%; no homozygotes.

Submissions (3):

Ambry Genetics
Classification: Uncertain significance for Inborn genetic diseases. Last evaluated: 2025-11-26. Review status: criteria provided, single submitter. Criteria: Ambry Variant Classification Scheme 2023. Collection method: clinical testing. Allele origin: germline.

Revvity Omics, Revvity
Classification: Uncertain significance. Last evaluated: 2024-12-03. Review status: criteria provided, single submitter. Criteria: ACMG Guidelines, 2015. Collection method: clinical testing. Allele origin: germline.

Labcorp Genetics (formerly Invitae), Labcorp
Classification: Uncertain significance for Bethlem myopathy 1A. Last evaluated: 2024-07-03. Review status: criteria provided, single submitter. Criteria: Invitae Variant Classification Sherloc (09022015). Collection method: clinical testing. Allele origin: germline.
Comment: This sequence change replaces leucine, which is neutral and non-polar, with serine, which is neutral and polar, at codon 1866 of the COL6A3 protein (p.Leu1866Ser). This variant is present in population databases (no rsID available, gnomAD 0.0009%). This variant has not been reported in the literature in individuals affected with COL6A3-related conditions. ClinVar contains an entry for this variant (Variation ID: 1429641). Advanced modeling of protein sequence and biophysical properties (such as structural, functional, and spatial information, amino acid conservation, physicochemical variation, residue mobility, and thermodynamic stability) performed at Invitae indicates that this missense variant is expected to disrupt COL6A3 protein function with a positive predictive value of 80%. In summary, the available evidence is currently insufficient to determine the role of this variant in disease. Therefore, it has been classified as a Variant of Uncertain Significance.